The following is an entry in ClinVar:

ClinVar aggregate classification (germline): Uncertain significance (1 of 4 stars; one submission).

Conditions:
Myopathy, proximal, and ophthalmoplegia (CMYO6). Also called: MYOPATHY WITH CONGENITAL JOINT CONTRACTURES, OPHTHALMOPLEGIA, AND RIMMED VACUOLES; INCLUSION BODY MYOPATHY 3, AUTOSOMAL DOMINANT; CONGENITAL MYOPATHY 6 WITH OPHTHALMOPLEGIA. Identifiers: Orphanet 363677, Orphanet 79091, MedGen C1854106, MONDO:0011577, OMIM 605637.

Submission:

Labcorp Genetics (formerly Invitae), Labcorp
Classification: Uncertain significance for Myopathy, proximal, and ophthalmoplegia. Last evaluated: 2022-04-08. Review status: criteria provided, single submitter. Criteria: Invitae Variant Classification Sherloc (09022015). Collection method: clinical testing. Allele origin: germline.
Comment: This sequence change affects the initiator methionine of the MYH2 mRNA. The next in-frame methionine is located at codon 80. This variant is not present in population databases (gnomAD no frequency). This variant has not been reported in the literature in individuals affected with MYH2-related conditions. Experimental studies and prediction algorithms are not available or were not evaluated, and the functional significance of this variant is currently unknown. In summary, the available evidence is currently insufficient to determine the role of this variant in disease. Therefore, it has been classified as a Variant of Uncertain Significance.

NM_017534.6(MYH2):c.3G>C (p.Met1Ile)

Genes: MYHAS (myosin heavy chain gene cluster antisense RNA; plus strand), MYH2 (myosin heavy chain 2; minus strand). Cytogenetic location: 17p13.1.
Variant type: single nucleotide variant.
Coding change: c.3G>C on transcript NM_017534.6 (MANE Select); coding-DNA position 3, G replaced by C.
Protein change: p.Met1Ile; changes the start codon (methionine 1).
Molecular consequence: missense variant, initiator codon variant.
Genome position (GRCh38, 1-based): chr17:10,547,918, C>G on the plus strand (G>C on the coding strand, the complement: MYH2 is on the minus strand). VCF-style: chr17-10547918-C-G. GRCh37 (hg19) VCF-style: chr17-10451235-C-G.
Other names: c.3G>C, p.Met1Ile (NM_001100112.2); short protein forms M1I.
Identifiers: ClinVar variation 2119789 (VCV002119789.5), dbSNP rs2508480831, ClinGen allele CA398174462.